The following is an entry in ClinVar:

NM_033305.3(VPS13A):c.6220A>G (p.Lys2074Glu)

Gene: VPS13A (vacuolar protein sorting 13 homolog A; plus strand). Cytogenetic location: 9q21.2.
Variant type: single nucleotide variant.
Coding change: c.6220A>G on transcript NM_033305.3 (MANE Select); coding-DNA position 6220, A replaced by G.
Protein change: p.Lys2074Glu; replaces lysine 2074 with glutamic acid.
Molecular consequence: missense variant.
Genome position (GRCh38, 1-based): chr9:77,337,379, A>G. VCF-style: chr9-77337379-A-G. GRCh37 (hg19) VCF-style: chr9-79952295-A-G.
Other names: c.6103A>G, p.Lys2035Glu (NM_001018037.2); c.6220A>G, p.Lys2074Glu (NM_001018038.3, NM_015186.4); short protein forms K2074E, K2035E.
Identifiers: ClinVar variation 2201589 (VCV002201589.1), dbSNP rs1269825138, ClinGen allele CA373848364.

ClinVar aggregate classification (germline): Uncertain significance (1 of 4 stars; one submission).

Allele frequency attached by ClinVar (database versions not stated): gnomAD exomes below 0.00001; TOPMed below 0.00001; gnomAD 0.00001.
gnomAD v4.1: 5 of 1,612,490 alleles (0.00031%); highest among the groups gnomAD compares: East Asian, 0.0022%; no homozygotes.

Submission:

Labcorp Genetics (formerly Invitae), Labcorp
Classification: Uncertain significance. Last evaluated: 2022-07-09. Review status: criteria provided, single submitter. Criteria: Invitae Variant Classification Sherloc (09022015). Collection method: clinical testing. Allele origin: germline.
Comment: This sequence change replaces lysine, which is basic and polar, with glutamic acid, which is acidic and polar, at codon 2074 of the VPS13A protein (p.Lys2074Glu). This variant is present in population databases (no rsID available, gnomAD 0.006%). This variant has not been reported in the literature in individuals affected with VPS13A-related conditions. Algorithms developed to predict the effect of missense changes on protein structure and function (SIFT, PolyPhen-2, Align-GVGD) all suggest that this variant is likely to be tolerated. In summary, the available evidence is currently insufficient to determine the role of this variant in disease. Therefore, it has been classified as a Variant of Uncertain Significance.